The following is an entry in ClinVar:

NM_058216.3(RAD51C):c.571+2863A>G

Gene: RAD51C (RAD51 paralog C; plus strand). Cytogenetic location: 17q22.
Variant type: single nucleotide variant.
Coding change: c.571+2863A>G on transcript NM_058216.3 (MANE Select); 2863 bases into the intron after coding-DNA position 571, A replaced by G.
Molecular consequence: intron variant.
Genome position (GRCh38, 1-based): chr17:58,699,722, A>G. VCF-style: chr17-58699722-A-G. GRCh37 (hg19) VCF-style: chr17-56777083-A-G.
Identifiers: ClinVar variation 2075417 (VCV002075417.4), dbSNP rs1455096561, ClinGen allele CA773574964.

ClinVar aggregate classification (germline): Likely pathogenic (1 of 4 stars; one submission).

Conditions:
Fanconi anemia complementation group O. Also called: RAD51C-Related Fanconi Anemia. Identifiers: Orphanet 84, MedGen C3150653, MONDO:0013248, OMIM 613390.

Allele frequency attached by ClinVar (database versions not stated): TOPMed below 0.00001; gnomAD 0.00001.
gnomAD v4.1: 1 of 152,238 alleles (0.00066%); highest among the groups gnomAD compares: Non-Finnish European, 0.0015%; no homozygotes.

Submission:

Labcorp Genetics (formerly Invitae), Labcorp
Classification: Likely pathogenic for Fanconi anemia complementation group O. Last evaluated: 2024-05-07. Review status: criteria provided, single submitter. Criteria: Invitae Variant Classification Sherloc (09022015). Collection method: clinical testing. Allele origin: germline.
Comment: This sequence change falls in intron 3 of the RAD51C gene. It does not directly change the encoded amino acid sequence of the RAD51C protein. RNA analysis indicates that this variant induces altered splicing and may result in an absent or disrupted protein product. This variant is not present in population databases (gnomAD no frequency). This variant has not been reported in the literature in individuals affected with RAD51C-related conditions. ClinVar contains an entry for this variant (Variation ID: 2075417). Studies have shown that this variant results in activation of a cryptic splice site and introduces a premature termination codon (Invitae). The resulting mRNA is expected to undergo nonsense-mediated decay. In summary, the currently available evidence indicates that the variant is pathogenic, but additional data are needed to prove that conclusively. Therefore, this variant has been classified as Likely Pathogenic.